The following is an entry in ClinVar:

NM_002180.3(IGHMBP2):c.*175T>C

Gene: IGHMBP2 (immunoglobulin mu DNA binding protein 2; plus strand). Cytogenetic location: 11q13.3.
Variant type: single nucleotide variant.
Coding change: c.*175T>C on transcript NM_002180.3 (MANE Select); 175 bases downstream of the stop codon, T replaced by C.
Molecular consequence: 3 prime UTR variant.
Genome position (GRCh38, 1-based): chr11:68,939,906, T>C. VCF-style: chr11-68939906-T-C. GRCh37 (hg19) VCF-style: chr11-68707374-T-C.
Identifiers: ClinVar variation 881543 (VCV000881543.5), dbSNP rs189725711, ClinGen allele CA223416300.

ClinVar aggregate classification (germline): Likely benign. Review status: criteria provided, multiple submitters, no conflicts (2 of 4 stars). 2 submissions from 2 submitters: Likely benign (2). Last evaluated 2018-01-13.

Conditions:
Autosomal recessive distal spinal muscular atrophy 1. Also called: HMN VI; NEURONOPATHY, SEVERE INFANTILE AXONAL, WITH RESPIRATORY FAILURE; SEVERE INFANTILE AXONAL NEUROPATHY WITH RESPIRATORY FAILURE; SPINAL MUSCULAR ATROPHY, DIAPHRAGMATIC; Spinal muscular atrophy with respiratory distress 1; NEURONOPATHY, DISTAL HEREDITARY MOTOR, HARDING TYPE VI. Identifiers: Orphanet 98920, MedGen C1858517, MONDO:0011436, OMIM 604320.

Allele frequency attached by ClinVar (database versions not stated): 1000 Genomes Project 30x 0.00078; 1000 Genomes Project 0.00080; TOPMed 0.00162; gnomAD 0.00166 and 0.00167.
gnomAD v4.1: 1,091 of 653,490 alleles (0.17%); highest among the groups gnomAD compares: Middle Eastern, 0.34%; 2 homozygotes.

Submissions (2):

Illumina Laboratory Services, Illumina
Classification: Likely benign for Autosomal recessive distal spinal muscular atrophy 1. Last evaluated: 2018-01-13. Review status: criteria provided, single submitter. Criteria: ICSL Variant Classification Criteria 13 December 2019. Collection method: clinical testing. Allele origin: germline.
Comment: This variant was observed in the ICSL laboratory as part of a predisposition screen in an ostensibly healthy population. It had not been previously curated by ICSL or reported in the Human Gene Mutation Database (HGMD: prior to June 1st, 2018), and was therefore a candidate for classification through an automated scoring system. Utilizing variant allele frequency, disease prevalence and penetrance estimates, and inheritance mode, an automated score was calculated to assess if this variant is too frequent to cause the disease. Based on the score and internal cut-off values, a variant classified as likely benign is not then subjected to further curation. The score for this variant resulted in a classification of likely benign for this disease.

Breakthrough Genomics
Classification: Likely benign. Review status: criteria provided, single submitter. Criteria: ACMG Guidelines, 2015. Collection method: not provided. Allele origin: germline. Inheritance: Autosomal recessive inheritance. Affected: yes.